The following is an entry in ClinVar:

ClinVar aggregate classification (germline): Uncertain significance (1 of 4 stars; one submission).

Allele frequency attached by ClinVar (database versions not stated): gnomAD exomes below 0.00001; TOPMed below 0.00001; gnomAD 0.00001.
gnomAD v4.1: 3 of 1,611,254 alleles (0.00019%); highest among the groups gnomAD compares: Admixed American, 0.0017%; no homozygotes.

Submission:

Labcorp Genetics (formerly Invitae), Labcorp
Classification: Uncertain significance. Last evaluated: 2024-02-19. Review status: criteria provided, single submitter. Criteria: Invitae Variant Classification Sherloc (09022015). Collection method: clinical testing. Allele origin: germline.
Comment: This sequence change replaces arginine, which is basic and polar, with glutamine, which is neutral and polar, at codon 23 of the FGF12 protein (p.Arg23Gln). This variant is not present in population databases (gnomAD no frequency). This variant has not been reported in the literature in individuals affected with FGF12-related conditions. An algorithm developed to predict the effect of missense changes on protein structure and function (PolyPhen-2) suggests that this variant is likely to be tolerated. In summary, the available evidence is currently insufficient to determine the role of this variant in disease. Therefore, it has been classified as a Variant of Uncertain Significance.

NM_004113.6(FGF12):c.14-47618G>A

Gene: FGF12 (fibroblast growth factor 12; minus strand). Cytogenetic location: 3q28.
Variant type: single nucleotide variant.
Coding change: c.14-47618G>A on transcript NM_004113.6 (MANE Select); 47618 bases into the intron before coding-DNA position 14, G replaced by A.
Molecular consequence: intron variant. On other transcripts: missense variant (1).
Genome position (GRCh38, 1-based): chr3:192,408,156, C>T on the plus strand (G>A on the coding strand, the complement: FGF12 is on the minus strand). VCF-style: chr3-192408156-C-T. GRCh37 (hg19) VCF-style: chr3-192125945-C-T.
Other names: c.68G>A, p.Arg23Gln (NM_021032.5); c.-59-47618G>A (NM_001377293.1); c.14-72692G>A (NM_001377292.1); c.-60+1356G>A (NM_001377294.1); short protein forms R23Q.
Identifiers: ClinVar variation 2776916 (VCV002776916.3), dbSNP rs1721042941, ClinGen allele CA355866805.